The following is an entry in ClinVar:

NM_000321.3(RB1):c.1128-72G>A

Gene: RB1 (RB transcriptional corepressor 1; plus strand). Cytogenetic location: 13q14.2.
Variant type: single nucleotide variant.
Coding change: c.1128-72G>A on transcript NM_000321.3 (MANE Select); 72 bases into the intron before coding-DNA position 1128, G replaced by A.
Molecular consequence: intron variant.
Genome position (GRCh38, 1-based): chr13:48,373,333, G>A. VCF-style: chr13-48373333-G-A. GRCh37 (hg19) VCF-style: chr13-48947469-G-A.
Other names: c.1128-72G>A (NM_001407165.1, NM_001407166.1).
Identifiers: ClinVar variation 4759365 (VCV004759365.1), dbSNP rs185587.

ClinVar aggregate classification (germline): Likely benign (1 of 4 stars; one submission).

Conditions:
Hereditary retinoblastoma. Identifiers: Orphanet 357027, MedGen C0751483, MONDO:0018160.

gnomAD v4.1: 6,833 of 931,958 alleles (0.73%); highest among the groups gnomAD compares: Middle Eastern, 1.3%; 49 homozygotes.

Submission:

Ramesar Group, Division of Human Genetics, Institute of Infectious Diseases and Molecular Medicine, UCT/MRC Genomic and Precision Medicine Research Unit, University of Cape Town
Classification: Likely benign for Hereditary retinoblastoma. Last evaluated: 2025-09-17. Review status: criteria provided, single submitter. Criteria: ACMG Guidelines, 2015. Collection method: research. Allele origin: germline. Affected: no.
Comment: BP5 - Variant found in a patient with a different retinal disease; RB1 is not associated with the phenotype BP7 - A non-coding variant with no predicted effect on splicing (SpliceAI scores are negligible)